The following is an entry in ClinVar:

ClinVar aggregate classification (germline): Uncertain significance (1 of 4 stars; one submission).

Submission:

GeneDx
Classification: Uncertain significance. Last evaluated: 2024-02-09. Review status: criteria provided, single submitter. Criteria: GeneDx Variant Classification Process June 2021. Collection method: clinical testing. Allele origin: germline. Affected: yes.
Comment: Not observed at significant frequency in large population cohorts (gnomAD); In silico analysis supports that this missense variant has a deleterious effect on protein structure/function; Has not been previously published as pathogenic or benign to our knowledge

NM_001613.4(ACTA2):c.876G>C (p.Arg292Ser)

Genes: ACTA2 (actin alpha 2, smooth muscle; minus strand), ACTA2-AS1 (ACTA2 antisense RNA 1; plus strand). Cytogenetic location: 10q23.31.
Variant type: single nucleotide variant.
Coding change: c.876G>C on transcript NM_001613.4 (MANE Select); coding-DNA position 876, G replaced by C.
Protein change: p.Arg292Ser; replaces arginine 292 with serine.
Molecular consequence: missense variant.
Genome position (GRCh38, 1-based): chr10:88,938,175, C>G on the plus strand (G>C on the coding strand, the complement: ACTA2 is on the minus strand). VCF-style: chr10-88938175-C-G. GRCh37 (hg19) VCF-style: chr10-90697932-C-G.
Other names: c.876G>C, p.Arg292Ser (NM_001141945.3, NM_001320855.2, NM_001406462.1 and 2 more transcripts); c.765G>C, p.Arg255Ser (NM_001406466.1); c.747G>C, p.Arg249Ser (NM_001406467.1, NM_001406468.1, NM_001406469.1); c.684G>C, p.Arg228Ser (NM_001406471.1); short protein forms R228S, R249S, R255S, R292S.
Identifiers: ClinVar variation 3369112 (VCV003369112.1).
Genomic context (GRCh38, chr10:88,938,175, plus strand): 5'-GGCAATGCCAGGGTACATAGTGGTGCCCCCTGATAGGACATTGTTAGCATAGAGGTCCTT[C>G]CTGATGTCAATATCACACTTCATGATGCTGTTGTAGGTGGTTTCATGGATGCCAGCAGAC-3'
Protein context (NP_001604.1, residues 282-302): NSIMKCDIDI[Arg292Ser]KDLYANNVLS